The following is an entry in ClinVar:

NM_004525.3(LRP2):c.13154A>G (p.His4385Arg)

Gene: LRP2 (LDL receptor related protein 2; minus strand). Cytogenetic location: 2q31.1.
Variant type: single nucleotide variant.
Coding change: c.13154A>G on transcript NM_004525.3 (MANE Select); coding-DNA position 13154, A replaced by G.
Protein change: p.His4385Arg; replaces histidine 4385 with arginine.
Molecular consequence: missense variant.
Genome position (GRCh38, 1-based): chr2:169,140,500, T>C on the plus strand (A>G on the coding strand, the complement: LRP2 is on the minus strand). VCF-style: chr2-169140500-T-C. GRCh37 (hg19) VCF-style: chr2-169997010-T-C.
Other names: short protein forms H4385R.
Identifiers: ClinVar variation 1392239 (VCV001392239.6), dbSNP rs750071115, ClinGen allele CA1952637.
Genomic context (GRCh38, chr2:169,140,500, plus strand): 5'-AACATTCAGACTTACTTGCATTTGGGGAGGTCAGTCTCATCAAAATAGCAATTTCCTCCG[T>C]GCATGCACCTGCATGGGGGGGGCAGGTTGATAGGCAGTTCGATGGCTGCAGGAAGGGAAA-3'
Protein context (NP_004516.2, residues 4375-4395): INLPPPCRCM[His4385Arg]GGNCYFDETD

ClinVar aggregate classification (germline): Uncertain significance (1 of 4 stars; one submission).

Allele frequency attached by ClinVar (database versions not stated): gnomAD exomes below 0.00001; ExAC 0.00001; gnomAD 0.00011 and 0.00014; TOPMed 0.00011.
gnomAD v4.1: 25 of 1,613,982 alleles (0.0015%); highest among the groups gnomAD compares: African/African-American, 0.031%; no homozygotes.

Submission:

Labcorp Genetics (formerly Invitae), Labcorp
Classification: Uncertain significance. Last evaluated: 2025-02-03. Review status: criteria provided, single submitter. Criteria: Invitae Variant Classification Sherloc (09022015). Collection method: clinical testing. Allele origin: germline.
Comment: This sequence change replaces histidine, which is basic and polar, with arginine, which is basic and polar, at codon 4385 of the LRP2 protein (p.His4385Arg). This variant is present in population databases (rs750071115, gnomAD 0.02%). This variant has not been reported in the literature in individuals affected with LRP2-related conditions. ClinVar contains an entry for this variant (Variation ID: 1392239). Invitae Evidence Modeling of protein sequence and biophysical properties (such as structural, functional, and spatial information, amino acid conservation, physicochemical variation, residue mobility, and thermodynamic stability) indicates that this missense variant is not expected to disrupt LRP2 protein function with a negative predictive value of 95%. In summary, the available evidence is currently insufficient to determine the role of this variant in disease. Therefore, it has been classified as a Variant of Uncertain Significance.